The following is an entry in ClinVar:

NM_022051.3(EGLN1):c.353C>G (p.Ala118Gly)

Gene: EGLN1 (egl-9 family hypoxia inducible factor 1; minus strand). Cytogenetic location: 1q42.2.
Variant type: single nucleotide variant.
Coding change: c.353C>G on transcript NM_022051.3 (MANE Select); coding-DNA position 353, C replaced by G.
Protein change: p.Ala118Gly; replaces alanine 118 with glycine.
Molecular consequence: missense variant.
Genome position (GRCh38, 1-based): chr1:231,421,536, G>C on the plus strand (C>G on the coding strand, the complement: EGLN1 is on the minus strand). VCF-style: chr1-231421536-G-C. GRCh37 (hg19) VCF-style: chr1-231557282-G-C.
Other names: c.353C>G, p.Ala118Gly (NM_001377260.1, NM_001377261.1); short protein forms A118G.
Identifiers: ClinVar variation 1732444 (VCV001732444.2), dbSNP rs1357444347, ClinGen allele CA345237514.

ClinVar aggregate classification (germline): Uncertain significance (1 of 4 stars; one submission).

Submission:

Ambry Genetics
Classification: Uncertain significance. Last evaluated: 2021-06-22. Review status: criteria provided, single submitter. Criteria: Ambry Variant Classification Scheme 2023. Collection method: clinical testing. Allele origin: germline.
Comment: The p.A118G variant (also known as c.353C>G), located in coding exon 1 of the EGLN1 gene, results from a C to G substitution at nucleotide position 353. The alanine at codon 118 is replaced by glycine, an amino acid with similar properties. This amino acid position is conserved. In addition, this alteration is predicted to be tolerated by in silico analysis. Since supporting evidence is limited at this time, the clinical significance of this alteration remains unclear.